The following is an entry in ClinVar:

NM_000059.4(BRCA2):c.9436T>C (p.Phe3146Leu)

Gene: BRCA2 (BRCA2 DNA repair associated; plus strand). Cytogenetic location: 13q13.1.
Variant type: single nucleotide variant.
Coding change: c.9436T>C on transcript NM_000059.4 (MANE Select); coding-DNA position 9436, T replaced by C.
Protein change: p.Phe3146Leu; replaces phenylalanine 3146 with leucine.
Molecular consequence: missense variant. On other transcripts: non-coding transcript variant (1).
Genome position (GRCh38, 1-based): chr13:32,394,868, T>C. VCF-style: chr13-32394868-T-C. GRCh37 (hg19) VCF-style: chr13-32969005-T-C.
Other names: c.9340T>C, p.Phe3114Leu (NM_001406719.1); c.9385T>C, p.Phe3129Leu (NM_001406720.1); c.4504T>C, p.Phe1502Leu (NM_001406721.1); c.3019T>C, p.Phe1007Leu (NM_001406722.1); short protein forms F3114L, F1007L, F1502L, F3129L, F3146L.
Identifiers: ClinVar variation 2774967 (VCV002774967.2), dbSNP rs2137654011, ClinGen allele CA387761566.

ClinVar aggregate classification (germline): Uncertain significance (1 of 4 stars; one submission).

Conditions:
Hereditary cancer-predisposing syndrome. Also called: Neoplastic Syndromes, Hereditary; Tumor predisposition; Hereditary Cancer Syndrome; Hereditary neoplastic syndrome. Identifiers: Orphanet 140162, MedGen C0027672, MeSH D009386, MONDO:0015356.

Submission:

Color Diagnostics, LLC DBA Color Health
Classification: Uncertain significance for Hereditary cancer-predisposing syndrome. Last evaluated: 2024-03-06. Review status: criteria provided, single submitter. Criteria: ACMG Guidelines, 2015. Collection method: clinical testing. Allele origin: germline.
Comment: This missense variant replaces phenylalanine with leucine at codon 3146 of the BRCA2 protein. Computational prediction is inconclusive regarding the impact of this variant on protein structure and function (internally defined REVEL score threshold 0.5 < inconclusive < 0.7, PMID: 27666373). To our knowledge, functional studies have not been reported for this variant. This variant has not been reported in individuals affected with hereditary cancer in the literature. This variant has not been identified in the general population by the Genome Aggregation Database (gnomAD). The available evidence is insufficient to determine the role of this variant in disease conclusively. Therefore, this variant is classified as a Variant of Uncertain Significance.